The following is an entry in ClinVar:

ClinVar aggregate classification (germline): Uncertain significance (1 of 4 stars; one submission).

Conditions:
RFT1-congenital disorder of glycosylation (CDG1N). Also called: CDG In; Congenital disorder of glycosylation type In; RFT1-CDG. Identifiers: Orphanet 244310, MedGen C2677590, MONDO:0012783, OMIM 612015.

Submission:

Labcorp Genetics (formerly Invitae), Labcorp
Classification: Uncertain significance for RFT1-congenital disorder of glycosylation. Last evaluated: 2022-07-19. Review status: criteria provided, single submitter. Criteria: Invitae Variant Classification Sherloc (09022015). Collection method: clinical testing. Allele origin: germline.
Comment: This variant has not been reported in the literature in individuals affected with RFT1-related conditions. In summary, the available evidence is currently insufficient to determine the role of this variant in disease. Therefore, it has been classified as a Variant of Uncertain Significance. Algorithms developed to predict the effect of missense changes on protein structure and function (SIFT, PolyPhen-2, Align-GVGD) all suggest that this variant is likely to be disruptive. ClinVar contains an entry for this variant (Variation ID: 1426223). This variant is not present in population databases (gnomAD no frequency). This sequence change replaces glycine, which is neutral and non-polar, with arginine, which is basic and polar, at codon 386 of the RFT1 protein (p.Gly386Arg).

NM_052859.4(RFT1):c.1156G>C (p.Gly386Arg)

Gene: RFT1 (RFT1 glycolipid translocator homolog; minus strand). Cytogenetic location: 3p21.1.
Variant type: single nucleotide variant.
Coding change: c.1156G>C on transcript NM_052859.4 (MANE Select); coding-DNA position 1156, G replaced by C.
Protein change: p.Gly386Arg; replaces glycine 386 with arginine.
Molecular consequence: missense variant.
Genome position (GRCh38, 1-based): chr3:53,099,433, C>G on the plus strand (G>C on the coding strand, the complement: RFT1 is on the minus strand). VCF-style: chr3-53099433-C-G. GRCh37 (hg19) VCF-style: chr3-53133449-C-G.
Other names: short protein forms G386R.
Identifiers: ClinVar variation 1426223 (VCV001426223.6), dbSNP rs2107095147, ClinGen allele CA353228048.